The following is an entry in ClinVar:

ClinVar aggregate classification (germline): Uncertain significance (1 of 4 stars; one submission).

Allele frequency attached by ClinVar (database versions not stated): ExAC 0.00003.
gnomAD v4.1: 29 of 1,614,056 alleles (0.0018%); highest among the groups gnomAD compares: African/African-American, 0.013%; no homozygotes.

Submission:

Labcorp Genetics (formerly Invitae), Labcorp
Classification: Uncertain significance. Last evaluated: 2022-01-19. Review status: criteria provided, single submitter. Criteria: Invitae Variant Classification Sherloc (09022015). Collection method: clinical testing. Allele origin: germline.
Comment: This sequence change replaces aspartic acid, which is acidic and polar, with asparagine, which is neutral and polar, at codon 105 of the PLOD3 protein (p.Asp105Asn). This variant is present in population databases (rs750298633, gnomAD 0.02%). This variant has not been reported in the literature in individuals affected with PLOD3-related conditions. Algorithms developed to predict the effect of missense changes on protein structure and function are either unavailable or do not agree on the potential impact of this missense change (SIFT: "Deleterious"; PolyPhen-2: "Benign"; Align-GVGD: "Class C0"). In summary, the available evidence is currently insufficient to determine the role of this variant in disease. Therefore, it has been classified as a Variant of Uncertain Significance.

NM_001084.5(PLOD3):c.313G>A (p.Asp105Asn)

Gene: PLOD3 (procollagen-lysine,2-oxoglutarate 5-dioxygenase 3; minus strand). Cytogenetic location: 7q22.1.
Variant type: single nucleotide variant.
Coding change: c.313G>A on transcript NM_001084.5 (MANE Select); coding-DNA position 313, G replaced by A.
Protein change: p.Asp105Asn; replaces aspartic acid 105 with asparagine.
Molecular consequence: missense variant.
Genome position (GRCh38, 1-based): chr7:101,216,435, C>T on the plus strand (G>A on the coding strand, the complement: PLOD3 is on the minus strand). VCF-style: chr7-101216435-C-T. GRCh37 (hg19) VCF-style: chr7-100859716-C-T.
Other names: short protein forms D105N.
Identifiers: ClinVar variation 1981723 (VCV001981723.1), dbSNP rs750298633, ClinGen allele CA4408239.